The following is an entry in ClinVar:

NM_001365276.2(TNXB):c.7954G>T (p.Glu2652Ter)

Gene: TNXB (tenascin XB; minus strand). Cytogenetic location: 6p21.33.
Variant type: single nucleotide variant.
Coding change: c.7954G>T on transcript NM_001365276.2 (MANE Select); coding-DNA position 7954, G replaced by T.
Protein change: p.Glu2652Ter; replaces glutamic acid 2652 with a stop codon.
Molecular consequence: nonsense.
Genome position (GRCh38, 1-based): chr6:32,056,775, C>A on the plus strand (G>T on the coding strand, the complement: TNXB is on the minus strand). VCF-style: chr6-32056775-C-A. GRCh37 (hg19) VCF-style: chr6-32024552-C-A.
Other names: c.8695G>T, p.Glu2899Ter (NM_001428335.1); c.7954G>T, p.Glu2652Ter (NM_019105.8); short protein forms E2652*, E2899*.
Identifiers: ClinVar variation 5016314 (VCV005016314.1).

ClinVar aggregate classification (germline): Pathogenic (1 of 4 stars; one submission).

Conditions:
Ehlers-Danlos syndrome due to tenascin-X deficiency (EDSCLL1). Also called: EDS DUE TO TNX DEFICIENCY; TNX DEFICIENCY; Ehlers-Danlos syndrome, classic-like, 1; EHLERS-DANLOS SYNDROME, CLASSIC-LIKE; TNXB-Related Classical-Like Ehlers-Danlos Syndrome. Identifiers: Orphanet 230839, MedGen C1848029, MONDO:0011670, OMIM 606408.

Submission:

Myriad Genetics, Inc.
Classification: Pathogenic for Ehlers-Danlos syndrome due to tenascin-X deficiency. Last evaluated: 2026-09-04. Review status: criteria provided, single submitter. Criteria: Myriad Autosomal Dominant, Autosomal Recessive and X-Linked Classification Criteria (2023). Collection method: clinical testing. Allele origin: unknown.
Comment: NM_019105.6(TNXB):c.7954G>T(E2652*) is expected to be pathogenic in the context of classical-like Ehlers-Danlos syndrome, TNXB-related. This variant is predicted to lead to an abnormal or absent protein product due to the creation of a premature termination codon in TNXB, a gene where loss-of-function variants are known to be pathogenic. Please note: this variant was assessed in the context of healthy population screening.